The following is an entry in ClinVar:

ClinVar aggregate classification (germline): Uncertain significance. Review status: criteria provided, multiple submitters, no conflicts (2 of 4 stars). 2 submissions from 2 submitters: Uncertain significance (2). Last evaluated 2023-07-26.

Conditions:
Familial thoracic aortic aneurysm and aortic dissection (TAAD). Also called: Thoracic aortic aneurysms and dissections. Identifiers: Orphanet 91387, MedGen C4707243, MONDO:0019625.

Allele frequency attached by ClinVar (database versions not stated): gnomAD 0.00001; gnomAD exomes 0.00001; TOPMed 0.00001.
gnomAD v4.1: 8 of 1,613,440 alleles (0.0005%); highest among the groups gnomAD compares: Non-Finnish European, 0.00068%; no homozygotes.

Submissions (2):

Ambry Genetics
Classification: Uncertain significance for Familial thoracic aortic aneurysm and aortic dissection. Last evaluated: 2023-07-26. Review status: criteria provided, single submitter. Criteria: Ambry Variant Classification Scheme 2023. Collection method: clinical testing. Allele origin: germline.
Comment: The p.T1326A variant (also known as c.3976A>G), located in coding exon 20 of the MYLK gene, results from an A to G substitution at nucleotide position 3976. The threonine at codon 1326 is replaced by alanine, an amino acid with similar properties. This amino acid position is conserved. In addition, the in silico prediction for this alteration is inconclusive. Since supporting evidence is limited at this time, the clinical significance of this alteration remains unclear.

Blueprint Genetics
Classification: Uncertain significance. Last evaluated: 2023-02-28. Review status: criteria provided, single submitter. Criteria: ACMG Guidelines, 2015. Collection method: clinical testing. Allele origin: germline.

NM_053025.4(MYLK):c.3976A>G (p.Thr1326Ala)

Gene: MYLK (myosin light chain kinase; minus strand). Cytogenetic location: 3q21.1.
Variant type: single nucleotide variant.
Coding change: c.3976A>G on transcript NM_053025.4 (MANE Select); coding-DNA position 3976, A replaced by G.
Protein change: p.Thr1326Ala; replaces threonine 1326 with alanine.
Molecular consequence: missense variant.
Genome position (GRCh38, 1-based): chr3:123,664,114, T>C on the plus strand (A>G on the coding strand, the complement: MYLK is on the minus strand). VCF-style: chr3-123664114-T-C. GRCh37 (hg19) VCF-style: chr3-123382961-T-C.
Other names: c.3448A>G, p.Thr1150Ala (NM_001321309.2); c.3769A>G, p.Thr1257Ala (NM_053026.4, NM_053028.4); c.3976A>G, p.Thr1326Ala (NM_053027.4); short protein forms T1150A, T1257A, T1326A.
Identifiers: ClinVar variation 2587193 (VCV002587193.3), dbSNP rs915146541, ClinGen allele CA82929050.